The following is an entry in ClinVar:

ClinVar aggregate classification (germline): Uncertain significance (1 of 4 stars; one submission).

Conditions:
Catecholaminergic polymorphic ventricular tachycardia 1. Also called: RYR2-Related Catecholaminergic Polymorphic Ventricular Tachycardia; VENTRICULAR TACHYCARDIA, CATECHOLAMINERGIC POLYMORPHIC, 1, WITH OR WITHOUT ATRIAL DYSFUNCTION AND/OR DILATED CARDIOMYOPATHY; VENTRICULAR TACHYCARDIA, STRESS-INDUCED POLYMORPHIC 1. Identifiers: Orphanet 3286, MedGen C1631597, MONDO:0011484, OMIM 604772.

Submission:

Labcorp Genetics (formerly Invitae), Labcorp
Classification: Uncertain significance for Catecholaminergic polymorphic ventricular tachycardia 1. Last evaluated: 2022-05-25. Review status: criteria provided, single submitter. Criteria: Invitae Variant Classification Sherloc (09022015). Collection method: clinical testing. Allele origin: germline.
Comment: In summary, the available evidence is currently insufficient to determine the role of this variant in disease. Therefore, it has been classified as a Variant of Uncertain Significance. Algorithms developed to predict the effect of missense changes on protein structure and function are either unavailable or do not agree on the potential impact of this missense change (SIFT: "Deleterious"; PolyPhen-2: "Possibly Damaging"; Align-GVGD: "Class C0"). This variant has not been reported in the literature in individuals affected with RYR2-related conditions. This variant is not present in population databases (gnomAD no frequency). This sequence change replaces lysine, which is basic and polar, with arginine, which is basic and polar, at codon 4704 of the RYR2 protein (p.Lys4704Arg).

NM_001035.3(RYR2):c.14111A>G (p.Lys4704Arg)

Gene: RYR2 (ryanodine receptor 2; plus strand). Cytogenetic location: 1q43.
Variant type: single nucleotide variant.
Coding change: c.14111A>G on transcript NM_001035.3 (MANE Select); coding-DNA position 14111, A replaced by G.
Protein change: p.Lys4704Arg; replaces lysine 4704 with arginine.
Molecular consequence: missense variant.
Genome position (GRCh38, 1-based): chr1:237,801,876, A>G. VCF-style: chr1-237801876-A-G. GRCh37 (hg19) VCF-style: chr1-237965176-A-G.
Other names: short protein forms K4704R.
Identifiers: ClinVar variation 1998774 (VCV001998774.4), dbSNP rs2528071198, ClinGen allele CA345421096.